The following is an entry in ClinVar:

ClinVar aggregate classification (germline): Uncertain significance (1 of 4 stars; one submission).

Allele frequency attached by ClinVar (database versions not stated): gnomAD exomes below 0.00001.
gnomAD v4.1: 2 of 1,590,070 alleles (0.00013%); highest among the groups gnomAD compares: South Asian, 0.0023%; no homozygotes.

Submission:

Labcorp Genetics (formerly Invitae), Labcorp
Classification: Uncertain significance. Last evaluated: 2022-12-14. Review status: criteria provided, single submitter. Criteria: Invitae Variant Classification Sherloc (09022015). Collection method: clinical testing. Allele origin: germline.
Comment: This sequence change falls in intron 7 of the RECQL gene. It does not directly change the encoded amino acid sequence of the RECQL protein. This variant is not present in population databases (gnomAD no frequency). This variant has not been reported in the literature in individuals affected with RECQL-related conditions. Algorithms developed to predict the effect of sequence changes on RNA splicing suggest that this variant may create or strengthen a splice site. In summary, the available evidence is currently insufficient to determine the role of this variant in disease. Therefore, it has been classified as a Variant of Uncertain Significance.

NM_002907.4(RECQL):c.868-16G>C

Gene: RECQL (RecQ like helicase; minus strand). Cytogenetic location: 12p12.1.
Variant type: single nucleotide variant.
Coding change: c.868-16G>C on transcript NM_002907.4 (MANE Select); 16 bases into the intron before coding-DNA position 868, G replaced by C.
Molecular consequence: intron variant.
Genome position (GRCh38, 1-based): chr12:21,477,008, C>G on the plus strand (G>C on the coding strand, the complement: RECQL is on the minus strand). VCF-style: chr12-21477008-C-G. GRCh37 (hg19) VCF-style: chr12-21629942-C-G.
Other names: c.868-16G>C (NM_032941.3).
Identifiers: ClinVar variation 2806322 (VCV002806322.3), dbSNP rs2540352601, ClinGen allele CA2617913597.
Genomic context (GRCh38, chr12:21,477,008, plus strand): 5'-AATATCCTCAATAAAATCTTCAGTGTTTGAGGGCTTCTGCCGAACCTAAAAAAAACTTAA[C>G]TTATTAAAAAGTAAATGAATGAGTACCATCCAAGTGGCTGTCTATGTACAACTTTCAGGA-3'